The following is an entry in ClinVar:

ClinVar aggregate classification (germline): Uncertain significance (1 of 4 stars; one submission).

Submission:

Ambry Genetics
Classification: Uncertain significance. Last evaluated: 2023-12-15. Review status: criteria provided, single submitter. Criteria: Ambry Variant Classification Scheme 2023. Collection method: clinical testing. Allele origin: germline.
Comment: The p.A1098S variant (also known as c.3292G>T), located in coding exon 16 of the POLQ gene, results from a G to T substitution at nucleotide position 3292. The alanine at codon 1098 is replaced by serine, an amino acid with similar properties. This amino acid position is conserved. In addition, this alteration is predicted to be tolerated by in silico analysis. Since supporting evidence is limited at this time, the clinical significance of this alteration remains unclear.

NM_199420.4(POLQ):c.3292G>T (p.Ala1098Ser)

Gene: POLQ (DNA polymerase theta; minus strand). Cytogenetic location: 3q13.33.
Variant type: single nucleotide variant.
Coding change: c.3292G>T on transcript NM_199420.4 (MANE Select); coding-DNA position 3292, G replaced by T.
Protein change: p.Ala1098Ser; replaces alanine 1098 with serine.
Molecular consequence: missense variant.
Genome position (GRCh38, 1-based): chr3:121,489,639, C>A on the plus strand (G>T on the coding strand, the complement: POLQ is on the minus strand). VCF-style: chr3-121489639-C-A. GRCh37 (hg19) VCF-style: chr3-121208486-C-A.
Other names: short protein forms A1098S.
Identifiers: ClinVar variation 3229924 (VCV003229924.1), dbSNP rs2048047847, ClinGen allele CA354100821.